The following is an entry in ClinVar:

ClinVar aggregate classification (germline): Uncertain significance (1 of 4 stars; one submission).

Conditions:
Familial sleep-related hypermotor epilepsy. Also called: Autosomal Dominant Sleep-Related Hypermotor (Hyperkinetic) Epilepsy. Identifiers: Orphanet 98784, MedGen C3696898, MONDO:0000030.

Allele frequency attached by ClinVar (database versions not stated): gnomAD 0.00001; TOPMed 0.00002; gnomAD exomes 0.00003.
gnomAD v4.1: 48 of 1,611,482 alleles (0.003%); highest among the groups gnomAD compares: Non-Finnish European, 0.004%; no homozygotes.

Submission:

Labcorp Genetics (formerly Invitae), Labcorp
Classification: Uncertain significance for Familial sleep-related hypermotor epilepsy. Last evaluated: 2024-10-28. Review status: criteria provided, single submitter. Criteria: Invitae Variant Classification Sherloc (09022015). Collection method: clinical testing. Allele origin: germline.
Comment: This sequence change replaces proline, which is neutral and non-polar, with serine, which is neutral and polar, at codon 122 of the PRIMA1 protein (p.Pro122Ser). This variant is not present in population databases (gnomAD no frequency). This variant has not been reported in the literature in individuals affected with PRIMA1-related conditions. ClinVar contains an entry for this variant (Variation ID: 845343). An algorithm developed to predict the effect of missense changes on protein structure and function (PolyPhen-2) suggests that this variant is likely to be disruptive. In summary, the available evidence is currently insufficient to determine the role of this variant in disease. Therefore, it has been classified as a Variant of Uncertain Significance.

NM_178013.4(PRIMA1):c.364C>T (p.Pro122Ser)

Gene: PRIMA1 (proline rich membrane anchor 1; minus strand). Cytogenetic location: 14q32.12.
Variant type: single nucleotide variant.
Coding change: c.364C>T on transcript NM_178013.4 (MANE Select); coding-DNA position 364, C replaced by T.
Protein change: p.Pro122Ser; replaces proline 122 with serine.
Molecular consequence: missense variant.
Genome position (GRCh38, 1-based): chr14:93,721,542, G>A on the plus strand (C>T on the coding strand, the complement: PRIMA1 is on the minus strand). VCF-style: chr14-93721542-G-A. GRCh37 (hg19) VCF-style: chr14-94187888-G-A.
Other names: short protein forms P122S.
Identifiers: ClinVar variation 845343 (VCV000845343.9), dbSNP rs1434626074, ClinGen allele CA390819326.